The following is an entry in ClinVar:

NM_000382.3(ALDH3A2):c.191T>A (p.Val64Asp)

Gene: ALDH3A2 (aldehyde dehydrogenase 3 family member A2; plus strand). Cytogenetic location: 17p11.2.
Variant type: single nucleotide variant.
Coding change: c.191T>A on transcript NM_000382.3 (MANE Select); coding-DNA position 191, T replaced by A.
Protein change: p.Val64Asp; replaces valine 64 with aspartic acid.
Molecular consequence: missense variant. On other transcripts: 5 prime UTR variant (1).
Genome position (GRCh38, 1-based): chr17:19,651,584, T>A. VCF-style: chr17-19651584-T-A. GRCh37 (hg19) VCF-style: chr17-19554897-T-A.
Other names: c.191T>A, p.Val64Asp (NM_001031806.2, NM_001369136.1, NM_001369137.2 and 3 more transcripts); c.-498T>A (NM_001369148.2); short protein forms V64D.
Identifiers: ClinVar variation 265458 (VCV000265458.7), dbSNP rs72547556, ClinGen allele CA10588643.

ClinVar aggregate classification (germline): Pathogenic/Likely pathogenic. Review status: criteria provided, multiple submitters, no conflicts (2 of 4 stars). 3 submissions from 3 submitters: Pathogenic (1); Likely pathogenic (2). Last evaluated 2024-05-28.

Conditions:
Sjögren-Larsson syndrome (SLS). Also called: FALDH DEFICIENCY; FATTY ALCOHOL:NAD+ OXIDOREDUCTASE DEFICIENCY; FATTY ALDEHYDE DEHYDROGENASE DEFICIENCY; ICHTHYOSIS, SPASTIC NEUROLOGIC DISORDER, AND OLIGOPHRENIA. Identifiers: Orphanet 816, MedGen C0037231, MONDO:0010031, OMIM 270200.

Allele frequency attached by ClinVar (database versions not stated): gnomAD exomes below 0.00001; gnomAD 0.00001; TOPMed 0.00002.
gnomAD v4.1: 4 of 1,614,080 alleles (0.00025%); highest among the groups gnomAD compares: African/African-American, 0.0053%; no homozygotes.

Submissions (3):

Natera, Inc.
Classification: Likely pathogenic for Sjögren-Larsson syndrome. Last evaluated: 2024-05-28. Review status: criteria provided, single submitter. Criteria: Natera Variant Classification Schema (03/2026). Collection method: clinical testing. Allele origin: germline.
Comment: The c.191T>A variant in ALDH3A2 is a missense variant predicted to cause substitution of valine to aspartic acid at amino acid 64. This variant is rare in the general population with a frequency below the threshold expected for the associated phenotype(s). This variant has been observed in one or more individuals affected with the associated recessive disease, as either homozygous or compound heterozygous with a second variant (PMID: 32506993). Functional studies show that this variant may disrupt protein function (PMID: 10577908). Computational prediction algorithms indicate this variant is likely to affect gene or protein function. Given the available evidence, this variant is classified as Likely Pathogenic.

Labcorp Genetics (formerly Invitae), Labcorp
Classification: Likely pathogenic. Last evaluated: 2023-05-12. Review status: criteria provided, single submitter. Criteria: Invitae Variant Classification Sherloc (09022015). Collection method: clinical testing. Allele origin: germline.
Comment: This sequence change replaces valine, which is neutral and non-polar, with aspartic acid, which is acidic and polar, at codon 64 of the ALDH3A2 protein (p.Val64Asp). This variant is present in population databases (rs72547556, gnomAD 0.01%). This missense change has been observed in individuals with Sjogren-Larsson syndrome (PMID: 10577908, 32506993). ClinVar contains an entry for this variant (Variation ID: 265458). Advanced modeling of protein sequence and biophysical properties (such as structural, functional, and spatial information, amino acid conservation, physicochemical variation, residue mobility, and thermodynamic stability) has been performed at Invitae for this missense variant, however the output from this modeling did not meet the statistical confidence thresholds required to predict the impact of this variant on ALDH3A2 protein function. Experimental studies have shown that this missense change affects ALDH3A2 function (PMID: 10577908). In summary, the currently available evidence indicates that the variant is pathogenic, but additional data are needed to prove that conclusively. Therefore, this variant has been classified as Likely Pathogenic.

GeneDx
Classification: Pathogenic. Last evaluated: 2016-08-02. Review status: criteria provided, single submitter. Criteria: GeneDx Variant Classification (06012015). Collection method: clinical testing. Allele origin: germline. Affected: yes.
Comment: It was not observed in approximately6,500 individuals of European and African American ancestry in the NHLBI Exome SequencingProject, indicating it is not a common benign variant in these populations. V64D is anon-conservative amino acid substitution, which is likely to impact secondary protein structure asthese residues differ in polarity, charge, size and/or other properties. This substitution occurs at aposition where amino acids with similar properties to Valine are tolerated across species. In silicoanalysis predicts this variant is probably damaging to the protein structure/function.

Literature cited by the submitters: PubMed 32506993 (cited by Natera, Inc. and Labcorp Genetics (formerly Invitae), Labcorp); PubMed 10577908 (cited by Natera, Inc. and Labcorp Genetics (formerly Invitae), Labcorp).